The following is an entry in ClinVar:

ClinVar aggregate classification (germline): Uncertain significance. Review status: criteria provided, multiple submitters, no conflicts (2 of 4 stars). 4 submissions from 4 submitters: Uncertain significance (4). Last evaluated 2025-10-21.

Conditions:
Hereditary cancer-predisposing syndrome. Also called: Neoplastic Syndromes, Hereditary; Hereditary Cancer Syndrome; Tumor predisposition; Hereditary neoplastic syndrome. Identifiers: Orphanet 140162, MedGen C0027672, MeSH D009386, MONDO:0015356.
Ataxia-telangiectasia syndrome (AT). Also called: LOUIS-BAR SYNDROME; Cerebello-oculocutaneous telangiectasia; Immunodeficiency with ataxia telangiectasia; Ataxia-telangiectasia, complementation group D; AT, COMPLEMENTATION GROUP C; Ataxia-telangiectasia, complementation group E. Identifiers: Orphanet 100, MedGen C0004135, MONDO:0008840, OMIM 208900.
Familial cancer of breast. Also called: Hereditary breast cancer; BREAST CANCER, FAMILIAL; hereditary breast carcinoma. Identifiers: Orphanet 227535, MedGen C0346153, MONDO:0016419, OMIM 114480. Disease mechanism: loss of function.

Allele frequency attached by ClinVar (database versions not stated): gnomAD 0.00001.
gnomAD v4.1: 2 of 1,613,036 alleles (0.00012%); highest among the groups gnomAD compares: African/African-American, 0.0013%; no homozygotes.

Submissions (4):

Labcorp Genetics (formerly Invitae), Labcorp
Classification: Uncertain significance for Ataxia-telangiectasia syndrome. Last evaluated: 2025-10-21. Review status: criteria provided, single submitter. Criteria: Invitae Variant Classification Sherloc (09022015). Collection method: clinical testing. Allele origin: germline.
Comment: This sequence change replaces leucine, which is neutral and non-polar, with valine, which is neutral and non-polar, at codon 2544 of the ATM protein (p.Leu2544Val). This variant is not present in population databases (gnomAD no frequency). This variant has not been reported in the literature in individuals affected with ATM-related conditions. ClinVar contains an entry for this variant (Variation ID: 481231). An algorithm developed to predict the effect of missense changes on protein structure and function (PolyPhen-2) suggests that this variant is likely to be tolerated. In summary, the available evidence is currently insufficient to determine the role of this variant in disease. Therefore, it has been classified as a Variant of Uncertain Significance.

Ambry Genetics
Classification: Uncertain significance for Hereditary cancer-predisposing syndrome. Last evaluated: 2024-11-25. Review status: criteria provided, single submitter. Criteria: Ambry Variant Classification Scheme 2023. Collection method: clinical testing. Allele origin: germline.
Comment: The p.L2544V variant (also known as c.7630C>G) is located in coding exon 51 of the ATM gene. The leucine at codon 2544 is replaced by valine, an amino acid with highly similar properties. This change occurs in the first base pair of coding exon 51. This amino acid position is highly conserved in available vertebrate species. In addition, the in silico prediction for this alteration is inconclusive. Based on the available evidence, the clinical significance of this variant remains unclear.

GeneDx
Classification: Uncertain significance. Last evaluated: 2024-03-11. Review status: criteria provided, single submitter. Criteria: GeneDx Variant Classification Process June 2021. Collection method: clinical testing. Allele origin: germline. Affected: yes.
Comment: Not observed at significant frequency in large population cohorts (gnomAD); In silico analysis supports that this missense variant does not alter protein structure/function; Has not been previously published as pathogenic or benign to our knowledge; This variant is associated with the following publications: (PMID: 23532176)

Baylor Genetics
Classification: Uncertain significance for Familial cancer of breast. Last evaluated: 2023-08-11. Review status: criteria provided, single submitter. Criteria: ACMG Guidelines, 2015. Collection method: clinical testing. Allele origin: unknown.

NM_000051.4(ATM):c.7630C>G (p.Leu2544Val)

Genes: ATM (ATM serine/threonine kinase; plus strand), C11orf65 (chromosome 11 open reading frame 65; minus strand). Cytogenetic location: 11q22.3.
Variant type: single nucleotide variant.
Coding change: c.7630C>G on transcript NM_000051.4 (MANE Select); coding-DNA position 7630, C replaced by G.
Protein change: p.Leu2544Val; replaces leucine 2544 with valine.
Molecular consequence: missense variant. On other transcripts: intron variant (2).
Genome position (GRCh38, 1-based): chr11:108,331,879, C>G. VCF-style: chr11-108331879-C-G. GRCh37 (hg19) VCF-style: chr11-108202606-C-G.
Other names: c.7630C>G, p.Leu2544Val (NM_001351834.2); c.641-22808G>C (NM_001330368.2); c.*38+3341G>C (NM_001351110.2); short protein forms L2544V.
Identifiers: ClinVar variation 481231 (VCV000481231.15), dbSNP rs1555124455, ClinGen allele CA382560886.